The following is an entry in ClinVar:

NM_001843.4(CNTN1):c.2140G>C (p.Gly714Arg)

Gene: CNTN1 (contactin 1; plus strand). Cytogenetic location: 12q12.
Variant type: single nucleotide variant.
Coding change: c.2140G>C on transcript NM_001843.4 (MANE Select); coding-DNA position 2140, G replaced by C.
Protein change: p.Gly714Arg; replaces glycine 714 with arginine.
Molecular consequence: missense variant.
Genome position (GRCh38, 1-based): chr12:41,014,254, G>C. VCF-style: chr12-41014254-G-C. GRCh37 (hg19) VCF-style: chr12-41408056-G-C.
Other names: c.2107G>C, p.Gly703Arg (NM_175038.2); short protein forms G703R, G714R.
Identifiers: ClinVar variation 2070355 (VCV002070355.4), dbSNP rs984002284, ClinGen allele CA235947414.
Genomic context (GRCh38, chr12:41,014,254, plus strand): 5'-TGTTGTTTTGCATATATTTGTTTGTTTGTTTCAGCACCAAATGTGGCTCCTTCAGATGTA[G>C]GAGGTGGAGGTGGAAGAAACAGAGAGCTGACCATAACATGGGCGGTAAGTATTGATGAGT-3'
Protein context (NP_001834.2, residues 704-724): AAPNVAPSDV[Gly714Arg]GGGGRNRELT

ClinVar aggregate classification (germline): Uncertain significance (1 of 4 stars; one submission).

Conditions:
Compton-North congenital myopathy (CMYO12). Identifiers: Orphanet 210163, MedGen C2675527, MONDO:0012929, OMIM 612540.

Submission:

Labcorp Genetics (formerly Invitae), Labcorp
Classification: Uncertain significance for Compton-North congenital myopathy. Last evaluated: 2022-07-30. Review status: criteria provided, single submitter. Criteria: Invitae Variant Classification Sherloc (09022015). Collection method: clinical testing. Allele origin: germline.
Comment: This variant is not present in population databases (gnomAD no frequency). In summary, the available evidence is currently insufficient to determine the role of this variant in disease. Therefore, it has been classified as a Variant of Uncertain Significance. Advanced modeling of protein sequence and biophysical properties (such as structural, functional, and spatial information, amino acid conservation, physicochemical variation, residue mobility, and thermodynamic stability) performed at Invitae indicates that this missense variant is not expected to disrupt CNTN1 protein function. This variant has not been reported in the literature in individuals affected with CNTN1-related conditions. This sequence change replaces glycine, which is neutral and non-polar, with arginine, which is basic and polar, at codon 714 of the CNTN1 protein (p.Gly714Arg).